The following is an entry in ClinVar:

ClinVar aggregate classification (germline): Likely benign (0 of 4 stars; one submission).

Conditions:
SDK2-related disorder. Also called: SDK2-related condition.

Allele frequency attached by ClinVar (database versions not stated): gnomAD exomes 0.00002; TOPMed 0.00002; ExAC 0.00003.
gnomAD v4.1: 10 of 1,594,702 alleles (0.00063%); highest among the groups gnomAD compares: Admixed American, 0.017%; no homozygotes.

Submission:

PreventionGenetics, part of Exact Sciences
Classification: Likely benign for SDK2-related condition. Last evaluated: 2019-06-07. Review status: no assertion criteria provided. Collection method: clinical testing. Allele origin: germline.
Comment: This variant is classified as likely benign based on ACMG/AMP sequence variant interpretation guidelines (Richards et al. 2015 PMID: 25741868, with internal and published modifications).

NM_001144952.2(SDK2):c.3765C>A (p.Gly1255=)

Gene: SDK2 (sidekick cell adhesion molecule 2; minus strand). Cytogenetic location: 17q25.1.
Variant type: single nucleotide variant.
Coding change: c.3765C>A on transcript NM_001144952.2 (MANE Select); coding-DNA position 3765, C replaced by A.
Protein change: p.Gly1255=; no amino-acid change (glycine 1255 retained).
Molecular consequence: synonymous variant.
Genome position (GRCh38, 1-based): chr17:73,393,693, G>T on the plus strand (C>A on the coding strand, the complement: SDK2 is on the minus strand). VCF-style: chr17-73393693-G-T. GRCh37 (hg19) VCF-style: chr17-71389832-G-T.
Identifiers: ClinVar variation 3044541 (VCV003044541.2), dbSNP rs758072685, ClinGen allele CA8743037.
Genomic context (GRCh38, chr17:73,393,693, plus strand): 5'-CTGGACTTCATAGAGCACGTATTTGCCCAAGCCGGTGAGCTGGGCACTGCGAGACGAGTT[G>T]CCTTCCACCAGCCAGAATCGGGGCTGGGTGTCCGAGTCCTTCTCCTTATACATCACCTGT-3'
Protein context (NP_001138424.1, residues 1245-1265): DTQPRFWLVE[Gly1255=]NSSRSAQLTG